The following is an entry in ClinVar:

ClinVar aggregate classification (germline): Uncertain significance (1 of 4 stars; one submission).

Conditions:
Gastrointestinal stromal tumor. Also called: Gastrointestinal stroma tumor; Gastrointestinal stromal tumor, somatic. Identifiers: Orphanet 44890, MedGen C0238198, MeSH D046152, MONDO:0011719, OMIM 606764, HP:0100723.

Submission:

Labcorp Genetics (formerly Invitae), Labcorp
Classification: Uncertain significance for Gastrointestinal stromal tumor. Last evaluated: 2021-12-23. Review status: criteria provided, single submitter. Criteria: Invitae Variant Classification Sherloc (09022015). Collection method: clinical testing. Allele origin: germline.
Comment: This sequence change replaces lysine, which is basic and polar, with asparagine, which is neutral and polar, at codon 771 of the PDGFRA protein (p.Lys771Asn). This variant is not present in population databases (gnomAD no frequency). This variant has not been reported in the literature in individuals affected with PDGFRA-related conditions. Algorithms developed to predict the effect of missense changes on protein structure and function are either unavailable or do not agree on the potential impact of this missense change (SIFT: "Tolerated"; PolyPhen-2: "Possibly Damaging"; Align-GVGD: "Class C0"). In summary, the available evidence is currently insufficient to determine the role of this variant in disease. Therefore, it has been classified as a Variant of Uncertain Significance.

NM_006206.6(PDGFRA):c.2313A>C (p.Lys771Asn)

Gene: PDGFRA (platelet derived growth factor receptor alpha; plus strand). Cytogenetic location: 4q12.
Variant type: single nucleotide variant.
Coding change: c.2313A>C on transcript NM_006206.6 (MANE Select); coding-DNA position 2313, A replaced by C.
Protein change: p.Lys771Asn; replaces lysine 771 with asparagine.
Molecular consequence: missense variant.
Genome position (GRCh38, 1-based): chr4:54,280,472, A>C. VCF-style: chr4-54280472-A-C. GRCh37 (hg19) VCF-style: chr4-55146639-A-C.
Other names: c.2313A>C, p.Lys771Asn (NM_001347827.2, NM_001347829.2); c.2388A>C, p.Lys796Asn (NM_001347828.2); c.2352A>C, p.Lys784Asn (NM_001347830.2); short protein forms K796N, K771N, K784N.
Identifiers: ClinVar variation 2054625 (VCV002054625.4), dbSNP rs2110325146, ClinGen allele CA356894538.
Genomic context (GRCh38, chr4:54,280,472, plus strand): 5'-TTCTAAATATTCCGACATCCAGAGATCACTCTATGATCGTCCAGCCTCATATAAGAAGAA[A>C]TCTATGTTAGGTAAAAGTGTCTATACTCACTCTGGGTGTTGGGACTTTCCAGTGGTTTAA-3'
Protein context (NP_006197.1, residues 761-781): LYDRPASYKK[Lys771Asn]SMLDSEVKNL